The following is an entry in ClinVar:

NM_001605.3(AARS1):c.1852G>T (p.Val618Leu)

Gene: AARS1 (alanyl-tRNA synthetase 1; minus strand). Cytogenetic location: 16q22.1.
Variant type: single nucleotide variant.
Coding change: c.1852G>T on transcript NM_001605.3 (MANE Select); coding-DNA position 1852, G replaced by T.
Protein change: p.Val618Leu; replaces valine 618 with leucine.
Molecular consequence: missense variant.
Genome position (GRCh38, 1-based): chr16:70,259,120, C>A on the plus strand (G>T on the coding strand, the complement: AARS1 is on the minus strand). VCF-style: chr16-70259120-C-A. GRCh37 (hg19) VCF-style: chr16-70293023-C-A.
Other names: short protein forms V618L.
Identifiers: ClinVar variation 1971540 (VCV001971540.5), dbSNP rs1393715348, ClinGen allele CA396558212.

ClinVar aggregate classification (germline): Uncertain significance (1 of 4 stars; one submission).

Conditions:
Charcot-Marie-Tooth disease type 2. Also called: Charcot-Marie-Tooth type 2. Identifiers: Orphanet 64746, MedGen C0270914, MONDO:0018993.

gnomAD v4.1: 1 of 1,614,180 alleles (0.000062%); highest among the groups gnomAD compares: Non-Finnish European, 0.000085%; no homozygotes.

Submission:

Labcorp Genetics (formerly Invitae), Labcorp
Classification: Uncertain significance for Charcot-Marie-Tooth disease type 2. Last evaluated: 2022-02-06. Review status: criteria provided, single submitter. Criteria: Invitae Variant Classification Sherloc (09022015). Collection method: clinical testing. Allele origin: germline.
Comment: In summary, the available evidence is currently insufficient to determine the role of this variant in disease. Therefore, it has been classified as a Variant of Uncertain Significance. Algorithms developed to predict the effect of missense changes on protein structure and function are either unavailable or do not agree on the potential impact of this missense change (SIFT: "Deleterious"; PolyPhen-2: "Probably Damaging"; Align-GVGD: "Class C0"). This variant has not been reported in the literature in individuals affected with AARS-related conditions. This variant is not present in population databases (gnomAD no frequency). This sequence change replaces valine, which is neutral and non-polar, with leucine, which is neutral and non-polar, at codon 618 of the AARS protein (p.Val618Leu).